The following is an entry in ClinVar:

NM_001540.5(HSPB1):c.512del (p.Lys171fs)

Gene: HSPB1 (heat shock protein family B (small) member 1; plus strand). Cytogenetic location: 7q11.23.
Variant type: Deletion.
Coding change: c.512del on transcript NM_001540.5 (MANE Select); coding-DNA position 512, one base deleted (A; older notation c.512delA).
Protein change: p.Lys171fs; shifts the reading frame from lysine 171.
Molecular consequence: frameshift variant.
Genome position (GRCh38, 1-based): chr7:76,304,067, A deleted; the last of 2 consecutive A bases (chr7:76,304,066-76,304,067); deleting either gives the same sequence. VCF-style (leftmost placement, unchanged base first): chr7-76304065-CA-C. GRCh37 (hg19) VCF-style: chr7-75933382-CA-C.
Other names: c.512delA (NM_001540.3); c.512del (LRG_248t1); short protein forms K171fs.
Identifiers: ClinVar variation 439794 (VCV000439794.19), dbSNP rs1554614680, ClinGen allele CA645509173.
Genomic context (GRCh38, chr7:76,304,065, plus strand): 5'-CACCCAAGTTTCCTCCTCCCTGTCCCCTGAGGGCACACTGACCGTGGAGGCCCCCATGCC[CA>C]AGCTAGCCACGCAGTCCAACGAGATCACCATCCCAGTCACCTTCGAGTCGCGGGCCCAGC-3'

ClinVar aggregate classification (germline): Pathogenic/Likely pathogenic. Review status: criteria provided, multiple submitters, no conflicts (2 of 4 stars). 3 submissions from 3 submitters: Pathogenic (1); Likely pathogenic (2). Last evaluated 2022-10-20.

Conditions:
Charcot-Marie-Tooth disease axonal type 2F (CMT2F). Also called: CHARCOT-MARIE-TOOTH DISEASE, NEURONAL, TYPE 2F; Charcot-Marie-Tooth Neuropathy Type 2F. Identifiers: Orphanet 99940, MedGen C1847823, MONDO:0011687, OMIM 606595.
Neuronopathy, distal hereditary motor, type 2B. Also called: HMN IIB; NEURONOPATHY, DISTAL HEREDITARY MOTOR, AUTOSOMAL DOMINANT 3; NEURONOPATHY, DISTAL HEREDITARY MOTOR, HARDING TYPE IIB; NEUROPATHY, DISTAL HEREDITARY MOTOR, HARDING TYPE IIB. Identifiers: Orphanet 139525, MedGen C2608087, MONDO:0012080, OMIM 608634.

Submissions (3):

Labcorp Genetics (formerly Invitae), Labcorp
Classification: Pathogenic for Charcot-Marie-Tooth disease axonal type 2F. Last evaluated: 2022-10-20. Review status: criteria provided, single submitter. Criteria: Invitae Variant Classification Sherloc (09022015). Collection method: clinical testing. Allele origin: germline.
Comment: For these reasons, this variant has been classified as Pathogenic. This variant disrupts the region of the HSPB1 protein between p.Pro39 and p.Gln175. Other variants in this region have been observed in individuals with autosomal dominant HSPB1-related conditions (PMID: 22734906, 28144995, 29381233), which suggests that this may be a clinically significant region of the protein. ClinVar contains an entry for this variant (Variation ID: 439794). This premature translational stop signal has been observed in individuals with Charcot-Marie-Tooth disease (Invitae). This variant is not present in population databases (gnomAD no frequency). This sequence change creates a premature translational stop signal (p.Lys171Serfs*2) in the HSPB1 gene. While this is not anticipated to result in nonsense mediated decay, it is expected to disrupt the last 35 amino acid(s) of the HSPB1 protein.

ARUP Laboratories, Molecular Genetics and Genomics, ARUP Laboratories
Classification: Likely pathogenic. Last evaluated: 2017-04-14. Review status: criteria provided, single submitter. Criteria: ARUP Molecular Germline Variant Investigation Process. Collection method: clinical testing. Allele origin: germline.

Clinical Genetics Service, Universitary Hospital 12 de Octubre
Classification: Likely pathogenic for Neuronopathy, distal hereditary motor, type 2B. Review status: criteria provided, single submitter. Criteria: ACMG Guidelines, 2015. Collection method: clinical testing. Allele origin: germline. Affected: yes.

Literature cited by the submitters: PubMed 22734906 (cited by Labcorp Genetics (formerly Invitae), Labcorp); PubMed 28144995 (cited by Labcorp Genetics (formerly Invitae), Labcorp); PubMed 29381233 (cited by Labcorp Genetics (formerly Invitae), Labcorp).